The following is an entry in ClinVar:

ClinVar aggregate classification (germline): Uncertain significance (1 of 4 stars; one submission).

Conditions:
Progressive sclerosing poliodystrophy (MTDPS4A). Also called: ALPERS PROGRESSIVE INFANTILE POLIODYSTROPHY; NEURONAL DEGENERATION OF CHILDHOOD WITH LIVER DISEASE, PROGRESSIVE; Alpers Syndrome; ALPERS DIFFUSE DEGENERATION OF CEREBRAL GRAY MATTER WITH HEPATIC CIRRHOSIS; Alpers-Huttenlocher Syndrome; Mitochondrial DNA depletion syndrome 4A (Alpers type). Identifiers: Orphanet 726, MedGen C0205710, MONDO:0008758, OMIM 203700.

Allele frequency attached by ClinVar (database versions not stated): TOPMed below 0.00001.

Submission:

Labcorp Genetics (formerly Invitae), Labcorp
Classification: Uncertain significance for Progressive sclerosing poliodystrophy. Last evaluated: 2023-11-27. Review status: criteria provided, single submitter. Criteria: Invitae Variant Classification Sherloc (09022015). Collection method: clinical testing. Allele origin: germline.
Comment: This sequence change replaces lysine, which is basic and polar, with arginine, which is basic and polar, at codon 1167 of the POLG protein (p.Lys1167Arg). This variant is not present in population databases (gnomAD no frequency). This variant has not been reported in the literature in individuals affected with POLG-related conditions. Advanced modeling of protein sequence and biophysical properties (such as structural, functional, and spatial information, amino acid conservation, physicochemical variation, residue mobility, and thermodynamic stability) performed at Invitae indicates that this missense variant is not expected to disrupt POLG protein function with a negative predictive value of 95%. Algorithms developed to predict the effect of sequence changes on RNA splicing suggest that this variant may create or strengthen a splice site. In summary, the available evidence is currently insufficient to determine the role of this variant in disease. Therefore, it has been classified as a Variant of Uncertain Significance.

NM_002693.3(POLG):c.3500A>G (p.Lys1167Arg)

Gene: POLG (DNA polymerase gamma, catalytic subunit; minus strand). Cytogenetic location: 15q26.1.
Variant type: single nucleotide variant.
Coding change: c.3500A>G on transcript NM_002693.3 (MANE Select); coding-DNA position 3500, A replaced by G.
Protein change: p.Lys1167Arg; replaces lysine 1167 with arginine.
Molecular consequence: missense variant.
Genome position (GRCh38, 1-based): chr15:89,317,519, T>C on the plus strand (A>G on the coding strand, the complement: POLG is on the minus strand). VCF-style: chr15-89317519-T-C. GRCh37 (hg19) VCF-style: chr15-89860750-T-C.
Other names: c.3500A>G, p.Lys1167Arg (NM_001126131.2); short protein forms K1167R.
Identifiers: ClinVar variation 2721536 (VCV002721536.3), dbSNP rs2055313165, ClinGen allele CA393748093.